The following is an entry in ClinVar:

NM_024675.4(PALB2):c.1408del (p.Thr470fs)

Gene: PALB2 (partner and localizer of BRCA2; minus strand). Cytogenetic location: 16p12.2.
Variant type: Deletion.
Coding change: c.1408del on transcript NM_024675.4 (MANE Select); coding-DNA position 1408, one base deleted (A; older notation c.1408delA).
Protein change: p.Thr470fs; shifts the reading frame from threonine 470.
Molecular consequence: frameshift variant.
Genome position (GRCh38, 1-based): chr16:23,635,138, T deleted on the plus strand (A on the coding strand, the reverse complement: PALB2 is on the minus strand). VCF-style (leftmost placement, unchanged base first): chr16-23635137-GT-G. GRCh37 (hg19) VCF-style: chr16-23646458-GT-G.
Other names: short protein forms T470fs.
Identifiers: ClinVar variation 1454057 (VCV001454057.9), dbSNP rs2142416902, ClinGen allele CA2573152176.
Genomic context (GRCh38, chr16:23,635,137, plus strand): 5'-GGAGAGCTGACTTTAGTTAATGAGAGAAGTTTCTGAGAGGTTCTTGAACTTGGTTGTCCT[GT>G]GCATGTGCCAGACATCCTAATTTCACTTTGGTCAGTTTCCTCATTGGAAAGGTTTAAATT-3'

ClinVar aggregate classification (germline): Pathogenic (1 of 4 stars; one submission).

Conditions:
Familial cancer of breast. Also called: Hereditary breast cancer; hereditary breast carcinoma; BREAST CANCER, FAMILIAL. Identifiers: Orphanet 227535, MedGen C0346153, MONDO:0016419, OMIM 114480. Disease mechanism: loss of function.

Submission:

Labcorp Genetics (formerly Invitae), Labcorp
Classification: Pathogenic for Familial cancer of breast. Last evaluated: 2021-04-17. Review status: criteria provided, single submitter. Criteria: Invitae Variant Classification Sherloc (09022015). Collection method: clinical testing. Allele origin: germline.
Comment: This sequence change creates a premature translational stop signal (p.Thr470Glnfs*15) in the PALB2 gene. It is expected to result in an absent or disrupted protein product. Loss-of-function variants in PALB2 are known to be pathogenic (PMID: 17200668, 24136930, 25099575). This variant is not present in population databases (ExAC no frequency). This variant has been observed in individual(s) with early onset breast cancer (PMID: 29263802). For these reasons, this variant has been classified as Pathogenic.

Literature cited by the submitters: PubMed 17200668; PubMed 24136930; PubMed 25099575; PubMed 29263802.